The following is an entry in ClinVar:

NM_002528.7(NTHL1):c.125A>G (p.Lys42Arg)

Gene: NTHL1 (nth like DNA glycosylase 1; minus strand). Cytogenetic location: 16p13.3.
Variant type: single nucleotide variant.
Coding change: c.125A>G on transcript NM_002528.7 (MANE Select); coding-DNA position 125, A replaced by G.
Protein change: p.Lys42Arg; replaces lysine 42 with arginine.
Molecular consequence: missense variant. On other transcripts: 5 prime UTR variant (1).
Genome position (GRCh38, 1-based): chr16:2,046,357, T>C on the plus strand (A>G on the coding strand, the complement: NTHL1 is on the minus strand). VCF-style: chr16-2046357-T-C. GRCh37 (hg19) VCF-style: chr16-2096358-T-C.
Other names: c.125A>G, p.Lys42Arg (NM_001318193.2); c.-54A>G (NM_001318194.2); short protein forms K42R.
Identifiers: ClinVar variation 5025901 (VCV005025901.1).

ClinVar aggregate classification (germline): Uncertain significance (1 of 4 stars; one submission).

Conditions:
Hereditary cancer-predisposing syndrome. Also called: Neoplastic Syndromes, Hereditary; Tumor predisposition; Hereditary neoplastic syndrome; Hereditary Cancer Syndrome. Identifiers: Orphanet 140162, MedGen C0027672, MeSH D009386, MONDO:0015356.

Submission:

Ambry Genetics
Classification: Uncertain significance for Hereditary cancer-predisposing syndrome. Last evaluated: 2026-07-07. Review status: criteria provided, single submitter. Criteria: Ambry Variant Classification Scheme 2023. Collection method: clinical testing. Allele origin: germline.
Comment: The p.K50R variant (also known as c.149A>G), located in coding exon 2 of the NTHL1 gene, results from an A to G substitution at nucleotide position 149. The lysine at codon 50 is replaced by arginine, an amino acid with highly similar properties. This amino acid position is conserved. In addition, this alteration is predicted to be tolerated by in silico analysis. Based on the available evidence, the clinical significance of this variant remains unclear.